The following is an entry in ClinVar:

NM_007118.4(TRIO):c.7487G>A (p.Arg2496Gln)

Gene: TRIO (trio Rho guanine nucleotide exchange factor; plus strand). Cytogenetic location: 5p15.2.
Variant type: single nucleotide variant.
Coding change: c.7487G>A on transcript NM_007118.4 (MANE Select); coding-DNA position 7487, G replaced by A.
Protein change: p.Arg2496Gln; replaces arginine 2496 with glutamine.
Molecular consequence: missense variant.
Genome position (GRCh38, 1-based): chr5:14,488,115, G>A. VCF-style: chr5-14488115-G-A. GRCh37 (hg19) VCF-style: chr5-14488224-G-A.
Other names: short protein forms R2496Q.
Identifiers: ClinVar variation 871182 (VCV000871182.44), dbSNP rs375694147, ClinGen allele CA3207457.
Genomic context (GRCh38, chr5:14,488,115, plus strand): 5'-GCAGCCCCCTGCAGAAGGGGGGCTCCTTCTGGAGCTCCATCCCCGCCTCCCCCGCCAGCC[G>A]ACCCGGCTCCTTCACCTTCCCGGGGGACAGCGACTCCCTCCAGCGGCAGACACCCCGCCA-3'
Protein context (NP_009049.2, residues 2486-2506): WSSIPASPAS[Arg2496Gln]PGSFTFPGDS

ClinVar aggregate classification (germline): Uncertain significance. Review status: criteria provided, multiple submitters, no conflicts (2 of 4 stars). 3 submissions from 3 submitters: Uncertain significance (3). Last evaluated 2024-10-08.

Allele frequency attached by ClinVar (database versions not stated): TOPMed 0.00001.
gnomAD v4.1: 43 of 1,609,340 alleles (0.0027%); highest among the groups gnomAD compares: Middle Eastern, 0.033%; 1 homozygote.

Submissions (3):

Blueprint Genetics
Classification: Uncertain significance. Last evaluated: 2024-10-08. Review status: criteria provided, single submitter. Criteria: ACMG Guidelines, 2015. Collection method: clinical testing. Allele origin: germline.

GeneDx
Classification: Uncertain significance. Last evaluated: 2022-01-12. Review status: criteria provided, single submitter. Criteria: GeneDx Variant Classification Process June 2021. Collection method: clinical testing. Allele origin: germline. Affected: yes.
Comment: Has not been previously published as pathogenic or benign to our knowledge; In silico analysis supports that this missense variant does not alter protein structure/function

CeGaT Center for Human Genetics Tuebingen
Classification: Uncertain significance. Last evaluated: 2019-09-01. Review status: criteria provided, single submitter. Criteria: CeGaT Center For Human Genetics Tuebingen Variant Classification Criteria Version 2. Collection method: clinical testing. Allele origin: germline. Affected: yes. Observed: 1 variant allele.